The following is an entry in ClinVar:

ClinVar aggregate classification (germline): Uncertain significance (1 of 4 stars; one submission).

Allele frequency attached by ClinVar (database versions not stated): gnomAD 0.00001; TOPMed below 0.00001.
gnomAD v4.1: 5 of 1,613,592 alleles (0.00031%); highest among the groups gnomAD compares: Non-Finnish European, 0.00042%; no homozygotes.

Submission:

Laboratory for Molecular Medicine, Mass General Brigham Personalized Medicine
Classification: Uncertain significance. Last evaluated: 2020-02-28. Review status: criteria provided, single submitter. Criteria: LMM Criteria. Collection method: clinical testing. Allele origin: germline. Observed: 1 variant allele.
Comment: The c.4207-3C>G variant in MYO15A has not been previously reported in individuals with hearing loss and was absent from large population studies. This variant is located in the 3' splice region. Computational tools predict a splicing impact, though this information is not predictive enough to determine. In summary, the clinical significance of this variant is uncertain. ACMG/AMP Criteria applied: PM2, PP3.

NM_016239.4(MYO15A):c.4207-3C>G

Gene: MYO15A (myosin XVA; plus strand). Cytogenetic location: 17p11.2.
Variant type: single nucleotide variant.
Coding change: c.4207-3C>G on transcript NM_016239.4 (MANE Select); 3 bases into the intron before coding-DNA position 4207, C replaced by G.
Molecular consequence: intron variant.
Genome position (GRCh38, 1-based): chr17:18,132,450, C>G. VCF-style: chr17-18132450-C-G. GRCh37 (hg19) VCF-style: chr17-18035764-C-G.
Identifiers: ClinVar variation 929902 (VCV000929902.4), dbSNP rs771434501, ClinGen allele CA726663103.